The following is an entry in ClinVar:

ClinVar aggregate classification (germline): Likely benign (1 of 4 stars; one submission).

Allele frequency attached by ClinVar (database versions not stated): gnomAD exomes 0.00043; 1000 Genomes Project 0.00060; gnomAD 0.00066; 1000 Genomes Project 30x 0.00094; TOPMed 0.00114.
gnomAD v4.1: 261 of 472,940 alleles (0.055%); highest among the groups gnomAD compares: Admixed American, 0.34%; 2 homozygotes.

Submission:

CeGaT Center for Human Genetics Tuebingen
Classification: Likely benign. Last evaluated: 2026-07-01. Review status: criteria provided, single submitter. Criteria: CeGaT Center For Human Genetics Tuebingen Variant Classification Criteria Version 2. Collection method: clinical testing. Allele origin: germline. Affected: yes. Observed: 11 variant alleles.
Comment: KCNQ1OT1: BS1

NM_000218.3(KCNQ1):c.1394-438C>T

Genes: KCNQ1 (potassium voltage-gated channel subfamily Q member 1; plus strand), KCNQ1OT1 (KCNQ1 opposite strand/antisense transcript 1; minus strand). Cytogenetic location: 11p15.5.
Variant type: single nucleotide variant.
Coding change: c.1394-438C>T on transcript NM_000218.3 (MANE Select); 438 bases into the intron before coding-DNA position 1394, C replaced by T.
Molecular consequence: intron variant.
Genome position (GRCh38, 1-based): chr11:2,661,523, C>T. VCF-style: chr11-2661523-C-T. GRCh37 (hg19) VCF-style: chr11-2682753-C-T.
Other names: c.1124-438C>T (NM_001406837.1); c.1298-438C>T (NM_001406836.1); c.854-438C>T (NM_001406838.1); c.1013-438C>T (NM_181798.2).
Identifiers: ClinVar variation 1879181 (VCV001879181.29), dbSNP rs145462560, ClinGen allele CA216170252.
Genomic context (GRCh38, chr11:2,661,523, plus strand): 5'-CTGTGGCTGCCCCCACCTCCCAGGCTTGCCATTCCTCATGGGTCAGAGGTCCTATCACCC[C>T]ATCTTTCCTGACCCACTACTCTGTCAATGTATGAGTGTGACAATGTATGGTGGTGGGAGC-3'